The following is an entry in ClinVar:

ClinVar aggregate classification (germline): Likely benign (1 of 4 stars; one submission).

Submission:

CeGaT Center for Human Genetics Tuebingen
Classification: Likely benign. Last evaluated: 2026-05-01. Review status: criteria provided, single submitter. Criteria: CeGaT Center For Human Genetics Tuebingen Variant Classification Criteria Version 2. Collection method: clinical testing. Allele origin: germline. Affected: yes. Observed: 1 variant allele.
Comment: LMNB2: PM2:Supporting, BP4, BP7

NM_032737.4(LMNB2):c.1464C>A (p.Leu488=)

Gene: LMNB2 (lamin B2; minus strand). Cytogenetic location: 19p13.3.
Variant type: single nucleotide variant.
Coding change: c.1464C>A on transcript NM_032737.4 (MANE Select); coding-DNA position 1464, C replaced by A.
Protein change: p.Leu488=; no amino-acid change (leucine 488 retained).
Molecular consequence: synonymous variant.
Genome position (GRCh38, 1-based): chr19:2,433,844, G>T on the plus strand (C>A on the coding strand, the complement: LMNB2 is on the minus strand). VCF-style: chr19-2433844-G-T. GRCh37 (hg19) VCF-style: chr19-2433842-G-T.
Identifiers: ClinVar variation 4875006 (VCV004875006.2).